The following is an entry in ClinVar:

NM_020975.6(RET):c.1643G>A (p.Gly548Asp)

Gene: RET (ret proto-oncogene; plus strand). Cytogenetic location: 10q11.21.
Variant type: single nucleotide variant.
Coding change: c.1643G>A on transcript NM_020975.6 (MANE Select); coding-DNA position 1643, G replaced by A.
Protein change: p.Gly548Asp; replaces glycine 548 with aspartic acid.
Molecular consequence: missense variant.
Genome position (GRCh38, 1-based): chr10:43,112,219, G>A. VCF-style: chr10-43112219-G-A. GRCh37 (hg19) VCF-style: chr10-43607667-G-A.
Other names: c.458G>A, p.Gly153Asp (NM_001406790.1, NM_001406791.1, NM_001406788.1 and 1 more transcripts); c.194G>A, p.Gly65Asp (NM_001406792.1, NM_001406793.1, NM_001406794.1); c.1643G>A, p.Gly548Asp (NM_020630.7, NM_001406743.1, NM_001406744.1 and 4 more transcripts); c.746G>A, p.Gly249Asp (NM_001406785.1, NM_001406787.1, NM_001406779.1 and 3 more transcripts); c.617G>A, p.Gly206Asp (NM_001406786.1, NM_001406783.1); c.881G>A, p.Gly294Asp (NM_001355216.2); c.1514G>A, p.Gly505Asp (NM_001406761.1, NM_001406762.1, NM_001406764.1 and 1 more transcripts); c.1355G>A, p.Gly452Asp (NM_001406766.1, NM_001406767.1, NM_001406770.1); and 5 more; short protein forms G153D, G452D, G249D, G373D, G548D, G65D, G218D, G306D.
Identifiers: ClinVar variation 5028210 (VCV005028210.1).
Genomic context (GRCh38, chr10:43,112,219, plus strand): 5'-GTGAGGAGTGTGGCGGCCTGGGCTCCCCAACAGGCAGGTGTGAGTGGAGGCAAGGAGATG[G>A]CAAAGGTAAGCCCTGGAAACGCCCAAGGGAGGCCTGCAGGGGCGATGGCACCGGTGGAAA-3'
Protein context (NP_066124.1, residues 538-558): TGRCEWRQGD[Gly548Asp]KGITRNFSTC

ClinVar aggregate classification (germline): Uncertain significance (1 of 4 stars; one submission).

Conditions:
Hereditary cancer-predisposing syndrome. Also called: Neoplastic Syndromes, Hereditary; Tumor predisposition; Hereditary neoplastic syndrome; Hereditary Cancer Syndrome. Identifiers: Orphanet 140162, MedGen C0027672, MeSH D009386, MONDO:0015356.

Submission:

Ambry Genetics
Classification: Uncertain significance for Hereditary cancer-predisposing syndrome. Last evaluated: 2026-08-20. Review status: criteria provided, single submitter. Criteria: Ambry Variant Classification Scheme 2023. Collection method: clinical testing. Allele origin: germline.
Comment: The p.G548D variant (also known as c.1643G>A), located in coding exon 8 of the RET gene, results from a G to A substitution at nucleotide position 1643. The glycine at codon 548 is replaced by aspartic acid, an amino acid with similar properties. This amino acid position is conserved. In addition, the in silico prediction for this alteration is inconclusive. Based on the available evidence, the clinical significance of this variant remains unclear.